The following is an entry in ClinVar:

ClinVar aggregate classification (germline): Uncertain significance (1 of 4 stars; one submission).

Conditions:
VPS13B-related disorder. Also called: VPS13B-related condition.

gnomAD v4.1: 3 of 1,614,038 alleles (0.00019%); highest among the groups gnomAD compares: Non-Finnish European, 0.00025%; no homozygotes.

Submission:

PreventionGenetics, part of Exact Sciences
Classification: Uncertain significance for VPS13B-related condition. Last evaluated: 2025-12-02. Review status: criteria provided, single submitter. Criteria: ACMG Guidelines, 2015. Collection method: clinical testing. Allele origin: germline.
Comment: The VPS13B c.3058C>G variant is predicted to result in the amino acid substitution p.Pro1020Ala. To our knowledge, this variant has not been reported in the literature or in a large population database (gnomAD), indicating this variant is rare. At this time, the clinical significance of this variant is uncertain due to the absence of conclusive functional and genetic evidence.

NM_152564.5(VPS13B):c.3058C>G (p.Pro1020Ala)

Gene: VPS13B (vacuolar protein sorting 13 homolog B; plus strand). Cytogenetic location: 8q22.2.
Variant type: single nucleotide variant.
Coding change: c.3058C>G on transcript NM_152564.5 (MANE Select); coding-DNA position 3058, C replaced by G.
Protein change: p.Pro1020Ala; replaces proline 1020 with alanine.
Molecular consequence: missense variant.
Genome position (GRCh38, 1-based): chr8:99,391,680, C>G. VCF-style: chr8-99391680-C-G. GRCh37 (hg19) VCF-style: chr8-100403908-C-G.
Other names: c.3058C>G, p.Pro1020Ala (NM_017890.5); short protein forms P1020A.
Identifiers: ClinVar variation 4987400 (VCV004987400.1).